The following is an entry in ClinVar:

NM_001348716.2(KDM6B):c.2122A>G (p.Lys708Glu)

Gene: KDM6B (lysine demethylase 6B; plus strand). Cytogenetic location: 17p13.1.
Variant type: single nucleotide variant.
Coding change: c.2122A>G on transcript NM_001348716.2 (MANE Select); coding-DNA position 2122, A replaced by G.
Protein change: p.Lys708Glu; replaces lysine 708 with glutamic acid.
Molecular consequence: missense variant.
Genome position (GRCh38, 1-based): chr17:7,848,410, A>G. VCF-style: chr17-7848410-A-G. GRCh37 (hg19) VCF-style: chr17-7751728-A-G.
Other names: c.2122A>G, p.Lys708Glu (NM_001080424.2); short protein forms K708E.
Identifiers: ClinVar variation 2618355 (VCV002618355.3), dbSNP rs2544526473, ClinGen allele CA397918861.

ClinVar aggregate classification (germline): Uncertain significance. Review status: criteria provided, multiple submitters, no conflicts (2 of 4 stars). 2 submissions from 2 submitters: Uncertain significance (2). Last evaluated 2023-08-14.

Conditions:
Inborn genetic diseases. Identifiers: MedGen C0950123, MeSH D030342.

Allele frequency attached by ClinVar (database versions not stated): gnomAD exomes below 0.00001.

Submissions (2):

Ambry Genetics
Classification: Uncertain significance for Inborn genetic diseases. Last evaluated: 2023-08-14. Review status: criteria provided, single submitter. Criteria: Ambry Variant Classification Scheme 2023. Collection method: clinical testing. Allele origin: germline.

GeneDx
Classification: Uncertain significance. Last evaluated: 2023-05-11. Review status: criteria provided, single submitter. Criteria: GeneDx Variant Classification Process June 2021. Collection method: clinical testing. Allele origin: germline. Affected: yes.
Comment: Not observed at significant frequency in large population cohorts (gnomAD); In silico analysis supports that this missense variant does not alter protein structure/function; Has not been previously published as pathogenic or benign to our knowledge